The following is an entry in ClinVar:

NM_017802.4(DNAAF5):c.642G>T (p.Gln214His)

Gene: DNAAF5 (dynein axonemal assembly factor 5; plus strand). Cytogenetic location: 7p22.3.
Variant type: single nucleotide variant.
Coding change: c.642G>T on transcript NM_017802.4 (MANE Select); coding-DNA position 642, G replaced by T.
Protein change: p.Gln214His; replaces glutamine 214 with histidine.
Molecular consequence: missense variant.
Genome position (GRCh38, 1-based): chr7:729,709, G>T. VCF-style: chr7-729709-G-T. GRCh37 (hg19) VCF-style: chr7-769346-G-T.
Other names: short protein forms Q214H.
Identifiers: ClinVar variation 943860 (VCV000943860.12), dbSNP rs374875482, ClinGen allele CA4110391.

ClinVar aggregate classification (germline): Uncertain significance. Review status: criteria provided, multiple submitters, no conflicts (2 of 4 stars). 3 submissions from 3 submitters: Uncertain significance (3). Last evaluated 2025-01-31.

Conditions:
Primary ciliary dyskinesia. Also called: Ciliary dyskinesia. Identifiers: Orphanet 244, MedGen C0008780, MONDO:0016575, HP:0012265.

Allele frequency attached by ClinVar (database versions not stated): ExAC 0.00005; gnomAD exomes 0.00006; TOPMed 0.00006; gnomAD 0.00007; ESP Exome Variant Server 0.00023.
gnomAD v4.1: 166 of 1,614,014 alleles (0.01%); highest among the groups gnomAD compares: Non-Finnish European, 0.013%; no homozygotes.

Submissions (3):

Ambry Genetics
Classification: Uncertain significance for Primary ciliary dyskinesia. Last evaluated: 2025-01-31. Review status: criteria provided, single submitter. Criteria: Ambry Variant Classification Scheme 2023. Collection method: clinical testing. Allele origin: germline.
Comment: The p.Q214H variant (also known as c.642G>T), located in coding exon 2 of the DNAAF5 gene, results from a G to T substitution at nucleotide position 642. The glutamine at codon 214 is replaced by histidine, an amino acid with highly similar properties. This amino acid position is conserved. In addition, this alteration is predicted to be tolerated by in silico analysis. Since supporting evidence is limited at this time, the clinical significance of this alteration remains unclear.

Blueprint Genetics
Classification: Uncertain significance. Last evaluated: 2022-09-15. Review status: criteria provided, single submitter. Criteria: ACMG Guidelines, 2015. Collection method: clinical testing. Allele origin: germline.

Labcorp Genetics (formerly Invitae), Labcorp
Classification: Uncertain significance for Primary ciliary dyskinesia. Last evaluated: 2022-08-31. Review status: criteria provided, single submitter. Criteria: Invitae Variant Classification Sherloc (09022015). Collection method: clinical testing. Allele origin: germline.
Comment: This sequence change replaces glutamine, which is neutral and polar, with histidine, which is basic and polar, at codon 214 of the DNAAF5 protein (p.Gln214His). This variant is present in population databases (rs374875482, gnomAD 0.01%). This variant has not been reported in the literature in individuals affected with DNAAF5-related conditions. ClinVar contains an entry for this variant (Variation ID: 943860). Algorithms developed to predict the effect of missense changes on protein structure and function output the following: SIFT: "Deleterious"; PolyPhen-2: "Benign"; Align-GVGD: "Class C0". The histidine amino acid residue is found in multiple mammalian species, which suggests that this missense change does not adversely affect protein function. Algorithms developed to predict the effect of sequence changes on RNA splicing suggest that this variant may create or strengthen a splice site. In summary, the available evidence is currently insufficient to determine the role of this variant in disease. Therefore, it has been classified as a Variant of Uncertain Significance.